The following is an entry in ClinVar:

ClinVar aggregate classification (germline): Pathogenic (1 of 4 stars; one submission).

Submission:

Labcorp Genetics (formerly Invitae), Labcorp
Classification: Pathogenic. Last evaluated: 2022-06-29. Review status: criteria provided, single submitter. Criteria: Invitae Variant Classification Sherloc (09022015). Collection method: clinical testing. Allele origin: germline.
Comment: This sequence change creates a premature translational stop signal (p.Gln1259Glufs*15) in the SZT2 gene. It is expected to result in an absent or disrupted protein product. Loss-of-function variants in SZT2 are known to be pathogenic (PMID: 23932106, 27248490, 28556953). For these reasons, this variant has been classified as Pathogenic. This variant has not been reported in the literature in individuals affected with SZT2-related conditions. This variant is present in population databases (rs758124360, gnomAD 0.0009%).

Literature cited by the submitters: PubMed 23932106; PubMed 27248490; PubMed 28556953.

NM_001365999.1(SZT2):c.3946_3947del (p.Gln1316fs)

Gene: SZT2 (SZT2 subunit of KICSTOR complex; plus strand). Cytogenetic location: 1p34.2.
Variant type: Microsatellite.
Coding change: c.3946_3947del on transcript NM_001365999.1 (MANE Select); coding-DNA positions 3946 to 3947, 2 bases deleted (CA; older notation c.3946_3947delCA).
Protein change: p.Gln1316fs; shifts the reading frame from glutamine 1316.
Molecular consequence: frameshift variant.
Genome position (GRCh38, 1-based): chr1:43,428,266-43,428,267, CA deleted; deleting any 2 consecutive bases within chr1:43,428,264-43,428,267 gives the same sequence; the c. name uses the placement nearest the transcript's 3' end. VCF-style (leftmost placement, unchanged base first): chr1-43428263-GCA-G. GRCh37 (hg19) VCF-style: chr1-43893934-GCA-G.
Other names: c.3775_3776del, p.Gln1259fs (NM_015284.4); short protein forms Q1316fs, Q1259fs.
Identifiers: ClinVar variation 1454665 (VCV001454665.6), dbSNP rs758124360, ClinGen allele CA809153.
Genomic context (GRCh38, chr1:43,428,263, plus strand): 5'-AGAGCTCAAGCCTCATGGCCCCTTCCACTTCCATCAGGGCTATTCCGCAGCTTGCAGCAA[GCA>G]CAGAGTGTGACCTCCCAGGATTTGCTGACAGCGGTAGATGCCTGTGAGGAGCTACTACAA-3'